The following is an entry in ClinVar:

ClinVar aggregate classification (germline): Uncertain significance. Review status: criteria provided, multiple submitters, no conflicts (2 of 4 stars). 2 submissions from 2 submitters: Uncertain significance (2). Last evaluated 2025-04-28.

Conditions:
Encephalopathy, acute, infection-induced (herpes-specific), susceptibility to, 1. Also called: Herpes simplex encephalitis, susceptibility to, 1. Identifiers: Orphanet 1930, MedGen C2750180, MONDO:0024563, OMIM 610551.

Allele frequency attached by ClinVar (database versions not stated): TOPMed below 0.00001; ExAC 0.00001; gnomAD 0.00001 and 0.00002; gnomAD exomes below 0.00001; ESP Exome Variant Server 0.00008.
gnomAD v4.1: 15 of 1,613,972 alleles (0.00093%); highest among the groups gnomAD compares: Non-Finnish European, 0.0012%; no homozygotes.

Submissions (2):

Ambry Genetics
Classification: Uncertain significance. Last evaluated: 2025-04-28. Review status: criteria provided, single submitter. Criteria: Ambry Variant Classification Scheme 2023. Collection method: clinical testing. Allele origin: germline.

Labcorp Genetics (formerly Invitae), Labcorp
Classification: Uncertain significance for Encephalopathy, acute, infection-induced (herpes-specific), susceptibility to, 1. Last evaluated: 2025-02-25. Review status: criteria provided, single submitter. Criteria: Invitae Variant Classification Sherloc (09022015). Collection method: clinical testing. Allele origin: germline.
Comment: This sequence change replaces isoleucine, which is neutral and non-polar, with valine, which is neutral and non-polar, at codon 338 of the TLR3 protein (p.Ile338Val). This variant is present in population databases (rs138548725, gnomAD 0.002%). This variant has not been reported in the literature in individuals affected with TLR3-related conditions. ClinVar contains an entry for this variant (Variation ID: 847435). An algorithm developed to predict the effect of missense changes on protein structure and function outputs the following: PolyPhen-2: "Benign". The valine amino acid residue is found in multiple mammalian species, which suggests that this missense change does not adversely affect protein function. In summary, the available evidence is currently insufficient to determine the role of this variant in disease. Therefore, it has been classified as a Variant of Uncertain Significance.

NM_003265.3(TLR3):c.1012A>G (p.Ile338Val)

Gene: TLR3 (toll like receptor 3; plus strand). Cytogenetic location: 4q35.1.
Variant type: single nucleotide variant.
Coding change: c.1012A>G on transcript NM_003265.3 (MANE Select); coding-DNA position 1012, A replaced by G.
Protein change: p.Ile338Val; replaces isoleucine 338 with valine.
Molecular consequence: missense variant.
Genome position (GRCh38, 1-based): chr4:186,082,698, A>G. VCF-style: chr4-186082698-A-G. GRCh37 (hg19) VCF-style: chr4-187003852-A-G.
Other names: short protein forms I338V.
Identifiers: ClinVar variation 847435 (VCV000847435.3), dbSNP rs138548725, ClinGen allele CA3161342.